The following is an entry in ClinVar:

NM_001378452.1(ITPR1):c.1813C>T (p.Leu605Phe)

Gene: ITPR1 (inositol 1,4,5-trisphosphate receptor type 1; plus strand). Cytogenetic location: 3p26.1.
Variant type: single nucleotide variant.
Coding change: c.1813C>T on transcript NM_001378452.1 (MANE Select); coding-DNA position 1813, C replaced by T.
Protein change: p.Leu605Phe; replaces leucine 605 with phenylalanine.
Molecular consequence: missense variant.
Genome position (GRCh38, 1-based): chr3:4,667,476, C>T. VCF-style: chr3-4667476-C-T. GRCh37 (hg19) VCF-style: chr3-4709160-C-T.
Other names: c.1813C>T, p.Leu605Phe (NM_001099952.4); c.1768C>T, p.Leu590Phe (NM_001168272.2, NM_002222.7); short protein forms L590F, L605F.
Identifiers: ClinVar variation 423129 (VCV000423129.5), dbSNP rs1064796252, ClinGen allele CA16617972.

ClinVar aggregate classification (germline): Likely pathogenic. Review status: criteria provided, multiple submitters, no conflicts (2 of 4 stars). 2 submissions from 2 submitters: Likely pathogenic (2). Last evaluated 2018-01-25.

Conditions:
Inborn genetic diseases. Identifiers: MedGen C0950123, MeSH D030342.

Submissions (2):

Ambry Genetics
Classification: Likely pathogenic for Inborn genetic diseases. Last evaluated: 2018-01-25. Review status: criteria provided, single submitter. Criteria: Ambry exome assertion method (8-5-2015). Collection method: clinical testing. Allele origin: germline. Affected: yes. Observed: 2 variant alleles.

GeneDx
Classification: Likely pathogenic. Last evaluated: 2017-02-08. Review status: criteria provided, single submitter. Criteria: GeneDx Variant Classification (06012015). Collection method: clinical testing. Allele origin: germline. Affected: yes.
Comment: The L590F variant in the ITPR1 gene has not been reported previously as a pathogenic variant, nor as a benign variant, to our knowledge. The L590F variant is not observed in large population cohorts (Lek et al., 2016; 1000 Genomes Consortium et al., 2015; Exome Variant Server). The L590F variant is a conservative amino acid substitution, which occurs at a position that is conserved across species. In addition, in silico analysis predicts this variant is probably damaging to the protein structure/function. The L590F variant is a strong candidate for a pathogenic variant.

Literature cited by the submitters: PubMed 19344873 (cited by Ambry Genetics).